The following is an entry in ClinVar:

ClinVar aggregate classification (germline): Uncertain significance (1 of 4 stars; one submission).

Conditions:
Primary ciliary dyskinesia. Also called: Ciliary dyskinesia. Identifiers: Orphanet 244, MedGen C0008780, MONDO:0016575, HP:0012265.

Submission:

Labcorp Genetics (formerly Invitae), Labcorp
Classification: Uncertain significance for Primary ciliary dyskinesia. Last evaluated: 2024-10-28. Review status: criteria provided, single submitter. Criteria: Invitae Variant Classification Sherloc (09022015). Collection method: clinical testing. Allele origin: germline.
Comment: This sequence change replaces aspartic acid, which is acidic and polar, with histidine, which is basic and polar, at codon 2474 of the DNAH11 protein (p.Asp2474His). This variant is not present in population databases (gnomAD no frequency). This variant has not been reported in the literature in individuals affected with DNAH11-related conditions. ClinVar contains an entry for this variant (Variation ID: 1925014). Invitae Evidence Modeling of protein sequence and biophysical properties (such as structural, functional, and spatial information, amino acid conservation, physicochemical variation, residue mobility, and thermodynamic stability) indicates that this missense variant is not expected to disrupt DNAH11 protein function with a negative predictive value of 95%. In summary, the available evidence is currently insufficient to determine the role of this variant in disease. Therefore, it has been classified as a Variant of Uncertain Significance.

NM_001277115.2(DNAH11):c.7420G>C (p.Asp2474His)

Gene: DNAH11 (dynein axonemal heavy chain 11; plus strand). Cytogenetic location: 7p15.3.
Variant type: single nucleotide variant.
Coding change: c.7420G>C on transcript NM_001277115.2 (MANE Select); coding-DNA position 7420, G replaced by C.
Protein change: p.Asp2474His; replaces aspartic acid 2474 with histidine.
Molecular consequence: missense variant.
Genome position (GRCh38, 1-based): chr7:21,725,964, G>C. VCF-style: chr7-21725964-G-C. GRCh37 (hg19) VCF-style: chr7-21765582-G-C.
Other names: c.7441G>C, p.Asp2481His (NM_003777.3); short protein forms D2481H, D2474H.
Identifiers: ClinVar variation 1925014 (VCV001925014.5), dbSNP rs2535043029, ClinGen allele CA366946054.
Genomic context (GRCh38, chr7:21,725,964, plus strand): 5'-GTGGACCACAAAACTAAGAAATTATTGCCCTGGGCTGACAAAATTGCCCAGTTTACTATG[G>C]ATCCAGATGTGCCTCTGCAGGTAGGTGTGTGGAACATAGCAATTGTATTAGTCTGTTTTC-3'
Protein context (NP_001264044.1, residues 2464-2484): WADKIAQFTM[Asp2474His]PDVPLQTVLV